The following is an entry in ClinVar:

NM_016222.4(DDX41):c.551A>G (p.Lys184Arg)

Gene: DDX41 (DEAD-box helicase 41; minus strand). Cytogenetic location: 5q35.3.
Variant type: single nucleotide variant.
Coding change: c.551A>G on transcript NM_016222.4 (MANE Select); coding-DNA position 551, A replaced by G.
Protein change: p.Lys184Arg; replaces lysine 184 with arginine.
Molecular consequence: missense variant.
Genome position (GRCh38, 1-based): chr5:177,515,705, T>C on the plus strand (A>G on the coding strand, the complement: DDX41 is on the minus strand). VCF-style: chr5-177515705-T-C. GRCh37 (hg19) VCF-style: chr5-176942706-T-C.
Other names: c.551A>G (NM_016222.2); c.173A>G, p.Lys58Arg (NM_001321732.2, NM_001321830.2); short protein forms K58R, K184R.
Identifiers: ClinVar variation 2192710 (VCV002192710.6), dbSNP rs765561953, ClinGen allele CA3585168.

ClinVar aggregate classification (germline): Conflicting classifications of pathogenicity. Review status: criteria provided, conflicting classifications (1 of 4 stars). 3 submissions from 3 submitters: Uncertain significance (2); Likely benign (1). Last evaluated 2025-02-18.

Conditions:
Inborn genetic diseases. Identifiers: MedGen C0950123, MeSH D030342.

Allele frequency attached by ClinVar (database versions not stated): TOPMed 0.00001; gnomAD 0.00002.
gnomAD v4.1: 17 of 1,614,006 alleles (0.0011%); highest among the groups gnomAD compares: South Asian, 0.0044%; no homozygotes.

Submissions (3):

Ambry Genetics
Classification: Likely benign for Inborn genetic diseases. Last evaluated: 2025-02-18. Review status: criteria provided, single submitter. Criteria: Ambry Variant Classification Scheme 2023. Collection method: clinical testing. Allele origin: germline.

Labcorp Genetics (formerly Invitae), Labcorp
Classification: Uncertain significance. Last evaluated: 2025-01-05. Review status: criteria provided, single submitter. Criteria: Invitae Variant Classification Sherloc (09022015). Collection method: clinical testing. Allele origin: germline.
Comment: This sequence change replaces lysine, which is basic and polar, with arginine, which is basic and polar, at codon 184 of the DDX41 protein (p.Lys184Arg). This variant is present in population databases (rs765561953, gnomAD 0.005%). This variant has not been reported in the literature in individuals affected with DDX41-related conditions. ClinVar contains an entry for this variant (Variation ID: 2192710). An algorithm developed to predict the effect of missense changes on protein structure and function (PolyPhen-2) suggests that this variant is likely to be tolerated. In summary, the available evidence is currently insufficient to determine the role of this variant in disease. Therefore, it has been classified as a Variant of Uncertain Significance.

GeneDx
Classification: Uncertain significance. Last evaluated: 2024-01-09. Review status: criteria provided, single submitter. Criteria: GeneDx Variant Classification Process June 2021. Collection method: clinical testing. Allele origin: germline. Affected: yes.
Comment: Not observed at significant frequency in large population cohorts (gnomAD); In silico analysis supports that this missense variant does not alter protein structure/function; Has not been previously published as pathogenic or benign to our knowledge; In silico analysis suggests this variant may impact gene splicing. In the absence of RNA/functional studies, the actual effect of this sequence change is unknown.; This variant is associated with the following publications: (PMID: 27721487)